The following is an entry in ClinVar:

NM_006269.2(RP1):c.742C>T (p.Gln248Ter)

Gene: RP1 (RP1 axonemal microtubule associated; plus strand). Cytogenetic location: 8q12.1.
Variant type: single nucleotide variant.
Coding change: c.742C>T on transcript NM_006269.2 (MANE Select); coding-DNA position 742, C replaced by T.
Protein change: p.Gln248Ter; replaces glutamine 248 with a stop codon.
Molecular consequence: nonsense.
Genome position (GRCh38, 1-based): chr8:54,622,243, C>T. VCF-style: chr8-54622243-C-T. GRCh37 (hg19) VCF-style: chr8-55534803-C-T.
Other names: short protein forms Q248*.
Identifiers: ClinVar variation 236417 (VCV000236417.6), dbSNP rs769156393, ClinGen allele CA10581671.

ClinVar aggregate classification (germline): Pathogenic. Review status: criteria provided, single submitter (1 of 4 stars). 2 submissions from 2 submitters: Pathogenic (1). 1 of the submissions does not count toward it. Last evaluated 2025-09-04.

Conditions:
Retinal dystrophy. Also called: Inherited retinal dystrophy. Identifiers: Orphanet 71862, MedGen C0854723, MeSH D058499, MONDO:0019118, HP:0000556.

Allele frequency attached by ClinVar (database versions not stated): gnomAD exomes 0.00001.
gnomAD v4.1: 17 of 1,614,078 alleles (0.0011%); highest among the groups gnomAD compares: Non-Finnish European, 0.0014%; no homozygotes.

Submissions (2):

Labcorp Genetics (formerly Invitae), Labcorp
Classification: Pathogenic. Last evaluated: 2025-09-04. Review status: criteria provided, single submitter. Criteria: Invitae Variant Classification Sherloc (09022015). Collection method: clinical testing. Allele origin: germline.
Comment: This sequence change creates a premature translational stop signal (p.Gln248*) in the RP1 gene. While this is not anticipated to result in nonsense mediated decay, it is expected to disrupt the last 1909 amino acid(s) of the RP1 protein. This variant is not present in population databases (gnomAD no frequency). This premature translational stop signal has been observed in individual(s) with autosomal recessive retinitis pigmentosa (PMID: 27208204; internal data). In at least one individual the data is consistent with being in trans (on the opposite chromosome) from a pathogenic variant. ClinVar contains an entry for this variant (Variation ID: 236417). This variant disrupts the C-terminus of the RP1 protein. Many variants that disrupt this region have been reported in individuals with either autosomal dominant or autosomal recessive retinitis pigmentosa (PMID: 11527933, 19933189, 29425069, 30027431, 33681214). Therefore, variants that disrupt this region are expected to be disease-causing. For these reasons, this variant has been classified as Pathogenic.

Centre for Genomic Medicine, Manchester, Central Manchester University Hospitals
Classification: Likely pathogenic for Retinal dystrophy. Review status: no assertion criteria provided. Collection method: clinical testing. Allele origin: germline. Affected: yes. Not counted in ClinVar's aggregate classification.

Literature cited by the submitters: PubMed 27208204 (cited by Labcorp Genetics (formerly Invitae), Labcorp); PubMed 11527933 (cited by Labcorp Genetics (formerly Invitae), Labcorp); PubMed 19933189 (cited by Labcorp Genetics (formerly Invitae), Labcorp); PubMed 29425069 (cited by Labcorp Genetics (formerly Invitae), Labcorp); PubMed 30027431 (cited by Labcorp Genetics (formerly Invitae), Labcorp); PubMed 33681214 (cited by Labcorp Genetics (formerly Invitae), Labcorp).